The following is an entry in ClinVar:

NM_000551.4(VHL):c.340+684T>A

Genes: VHL (von Hippel-Lindau tumor suppressor; plus strand), LOC107303340 (3p25 von Hippel-Lindau tumor suppressor, E3 ubiquitin protein ligase Alu-mediated recombination region; plus strand). Cytogenetic location: 3p25.3.
Variant type: single nucleotide variant.
Coding change: c.340+684T>A on transcript NM_000551.4 (MANE Select); 684 bases into the intron after coding-DNA position 340, T replaced by A.
Molecular consequence: intron variant. On other transcripts: missense variant (1), non-coding transcript variant (1).
Genome position (GRCh38, 1-based): chr3:10,142,871, T>A. VCF-style: chr3-10142871-T-A. GRCh37 (hg19) VCF-style: chr3-10184555-T-A.
Other names: c.340+684T>A (NM_198156.3); c.449T>A, p.Val150Asp (NM_001354723.2); short protein forms V150D.
Identifiers: ClinVar variation 4793775 (VCV004793775.1).

ClinVar aggregate classification (germline): Uncertain significance (1 of 4 stars; one submission).

Conditions:
Chuvash polycythemia. Also called: POLYCYTHEMIA, VHL-DEPENDENT. Identifiers: Orphanet 238557, MedGen C1837915, MONDO:0009892, OMIM 263400.
Von Hippel-Lindau syndrome (VHLS). Also called: von Hippel–Lindau syndrome; VHL syndrome; Von Hippel-Lindau. Identifiers: Orphanet 892, MedGen C0019562, MONDO:0008667, OMIM 193300. Disease mechanism: loss of function.

Submission:

Labcorp Genetics (formerly Invitae), Labcorp
Classification: Uncertain significance for Von Hippel-Lindau syndrome; Chuvash polycythemia. Last evaluated: 2025-03-26. Review status: criteria provided, single submitter. Criteria: Invitae Variant Classification Sherloc (09022015). Collection method: clinical testing. Allele origin: germline.
Comment: This sequence change falls in intron 1 of the VHL gene. It is not expected to change the encoded amino acid sequence of the VHL protein. However, this sequence change falls within a cryptic exon in the VHL gene, known as exon E1’, which is naturally expressed at low levels in several human tissues (PMID: 29891534). This variant is not present in population databases (gnomAD no frequency). This variant has not been reported in the literature in individuals affected with VHL-related conditions. Algorithms developed to predict the effect of sequence changes on RNA splicing suggest that this variant is not likely to affect RNA splicing. In summary, the available evidence is currently insufficient to determine the role of this variant in disease. Therefore, it has been classified as a Variant of Uncertain Significance.

Literature cited by the submitters: PubMed 29891534.